The following is an entry in ClinVar:

ClinVar aggregate classification (germline): Uncertain significance (1 of 4 stars; one submission).

Conditions:
Developmental and epileptic encephalopathy, 53. Also called: Epileptic encephalopathy, early infantile, 53. Identifiers: MedGen C4479313, MONDO:0033362, OMIM 617389.
Early-onset Parkinson disease 20. Also called: PARKINSON DISEASE 20, AUTOSOMAL RECESSIVE EARLY-ONSET. Identifiers: Orphanet 391411, MedGen C3809824, MONDO:0014233, OMIM 615530.

Allele frequency attached by ClinVar (database versions not stated): gnomAD exomes below 0.00001; TOPMed 0.00001.
gnomAD v4.1: 1 of 1,465,530 alleles (0.000068%); highest among the groups gnomAD compares: Non-Finnish European, 0.00009%; no homozygotes.

Submission:

Labcorp Genetics (formerly Invitae), Labcorp
Classification: Uncertain significance for Developmental and epileptic encephalopathy, 53; Early-onset Parkinson disease 20. Last evaluated: 2023-08-04. Review status: criteria provided, single submitter. Criteria: Invitae Variant Classification Sherloc (09022015). Collection method: clinical testing. Allele origin: germline.
Comment: In summary, the available evidence is currently insufficient to determine the role of this variant in disease. Therefore, it has been classified as a Variant of Uncertain Significance. Algorithms developed to predict the effect of missense changes on protein structure and function output the following: SIFT: "Not Available"; PolyPhen-2: "Benign"; Align-GVGD: "Not Available". The arginine amino acid residue is found in multiple mammalian species, which suggests that this missense change does not adversely affect protein function. ClinVar contains an entry for this variant (Variation ID: 478340). This variant has not been reported in the literature in individuals affected with SYNJ1-related conditions. This variant is not present in population databases (gnomAD no frequency). This sequence change replaces lysine, which is basic and polar, with arginine, which is basic and polar, at codon 1136 of the SYNJ1 protein (p.Lys1136Arg).

NM_203446.3(SYNJ1):c.3290A>G (p.Lys1097Arg)

Gene: SYNJ1 (synaptojanin 1; minus strand). Cytogenetic location: 21q22.11.
Variant type: single nucleotide variant.
Coding change: c.3290A>G on transcript NM_203446.3 (MANE Select); coding-DNA position 3290, A replaced by G.
Protein change: p.Lys1097Arg; replaces lysine 1097 with arginine.
Molecular consequence: missense variant.
Genome position (GRCh38, 1-based): chr21:32,645,747, T>C on the plus strand (A>G on the coding strand, the complement: SYNJ1 is on the minus strand). VCF-style: chr21-32645747-T-C. GRCh37 (hg19) VCF-style: chr21-34018057-T-C.
Other names: c.3290A>G, p.Lys1097Arg (NM_001160302.2); c.3275A>G, p.Lys1092Arg (NM_001160306.2); c.3407A>G, p.Lys1136Arg (NM_003895.4); short protein forms K1136R, K1092R, K1097R.
Identifiers: ClinVar variation 478340 (VCV000478340.9), dbSNP rs946267411, ClinGen allele CA319422840.